The following is an entry in ClinVar:

NM_001378030.1(CCDC78):c.283A>G (p.Ser95Gly)

Gene: CCDC78 (coiled-coil domain containing 78; minus strand). Cytogenetic location: 16p13.3.
Variant type: single nucleotide variant.
Coding change: c.283A>G on transcript NM_001378030.1 (MANE Select); coding-DNA position 283, A replaced by G.
Protein change: p.Ser95Gly; replaces serine 95 with glycine.
Molecular consequence: missense variant. On other transcripts: non-coding transcript variant (5), intron variant (1).
Genome position (GRCh38, 1-based): chr16:725,565, T>C on the plus strand (A>G on the coding strand, the complement: CCDC78 is on the minus strand). VCF-style: chr16-725565-T-C. GRCh37 (hg19) VCF-style: chr16-775565-T-C.
Other names: c.283A>G, p.Ser95Gly (NM_001031737.3, NM_001378031.1); c.-19+229A>G (NM_001378033.1); short protein forms S95G.
Identifiers: ClinVar variation 3626371 (VCV003626371.2).

ClinVar aggregate classification (germline): Uncertain significance (1 of 4 stars; one submission).

Conditions:
Congenital myopathy with internal nuclei and atypical cores. Also called: Myopathy, centronuclear, 4. Identifiers: Orphanet 319160, MedGen C4707232, MONDO:0013890, OMIM 614807.

gnomAD v4.1: 3 of 1,608,736 alleles (0.00019%); highest among the groups gnomAD compares: African/African-American, 0.004%; no homozygotes.

Submission:

Labcorp Genetics (formerly Invitae), Labcorp
Classification: Uncertain significance for Congenital myopathy with internal nuclei and atypical cores. Last evaluated: 2024-09-11. Review status: criteria provided, single submitter. Criteria: Invitae Variant Classification Sherloc (09022015). Collection method: clinical testing. Allele origin: germline.
Comment: This sequence change replaces serine, which is neutral and polar, with glycine, which is neutral and non-polar, at codon 95 of the CCDC78 protein (p.Ser95Gly). This variant is present in population databases (no rsID available, gnomAD 0.007%). This variant has not been reported in the literature in individuals affected with CCDC78-related conditions. Invitae Evidence Modeling of protein sequence and biophysical properties (such as structural, functional, and spatial information, amino acid conservation, physicochemical variation, residue mobility, and thermodynamic stability) indicates that this missense variant is not expected to disrupt CCDC78 protein function with a negative predictive value of 80%. In summary, the available evidence is currently insufficient to determine the role of this variant in disease. Therefore, it has been classified as a Variant of Uncertain Significance.